The following is an entry in ClinVar:

NM_177438.3(DICER1):c.2876A>G (p.Lys959Arg)

Gene: DICER1 (dicer 1, ribonuclease III; minus strand). Cytogenetic location: 14q32.13.
Variant type: single nucleotide variant.
Coding change: c.2876A>G on transcript NM_177438.3 (MANE Select); coding-DNA position 2876, A replaced by G.
Protein change: p.Lys959Arg; replaces lysine 959 with arginine.
Molecular consequence: missense variant. On other transcripts: non-coding transcript variant (6).
Genome position (GRCh38, 1-based): chr14:95,106,152, T>C on the plus strand (A>G on the coding strand, the complement: DICER1 is on the minus strand). VCF-style: chr14-95106152-T-C. GRCh37 (hg19) VCF-style: chr14-95572489-T-C.
Other names: c.2876A>G, p.Lys959Arg (NM_001195573.1, NM_001271282.3, NM_001291628.2 and 12 more transcripts); c.2594A>G, p.Lys865Arg (NM_001395686.1); c.2471A>G, p.Lys824Arg (NM_001395687.1, NM_001395688.1, NM_001395689.1 and 2 more transcripts); c.2309A>G, p.Lys770Arg (NM_001395691.1); c.1193A>G, p.Lys398Arg (NM_001395697.1); short protein forms K398R, K865R, K959R, K770R, K824R.
Identifiers: ClinVar variation 5035303 (VCV005035303.1).

ClinVar aggregate classification (germline): Uncertain significance (1 of 4 stars; one submission).

Conditions:
Hereditary cancer-predisposing syndrome. Also called: Hereditary Cancer Syndrome; Neoplastic Syndromes, Hereditary; Tumor predisposition; Hereditary neoplastic syndrome. Identifiers: Orphanet 140162, MedGen C0027672, MeSH D009386, MONDO:0015356.

Submission:

Ambry Genetics
Classification: Uncertain significance for Hereditary cancer-predisposing syndrome. Last evaluated: 2026-08-01. Review status: criteria provided, single submitter. Criteria: Ambry Variant Classification Scheme 2023. Collection method: clinical testing. Allele origin: germline.
Comment: The p.K959R variant (also known as c.2876A>G), located in coding exon 17 of the DICER1 gene, results from an A to G substitution at nucleotide position 2876. The lysine at codon 959 is replaced by arginine, an amino acid with highly similar properties. This amino acid position is conserved. In addition, this alteration is predicted to be tolerated by in silico analysis. Based on the available evidence, the clinical significance of this variant remains unclear.